The following is an entry in ClinVar:

ClinVar aggregate classification (germline): Uncertain significance (1 of 4 stars; one submission).

Submission:

GeneDx
Classification: Uncertain significance. Last evaluated: 2026-03-25. Review status: criteria provided, single submitter. Criteria: GeneDx Variant Classification Process June 2021. Collection method: clinical testing. Allele origin: germline.
Comment: Not observed at significant frequency in large population cohorts (gnomAD); Nonsense variant predicted to result in protein truncation as the last 39 amino acid(s) are lost; Has not been previously published as pathogenic or benign to our knowledge

NM_000748.3(CHRNB2):c.1391G>A (p.Trp464Ter)

Gene: CHRNB2 (cholinergic receptor nicotinic beta 2 subunit; plus strand). Cytogenetic location: 1q21.3.
Variant type: single nucleotide variant.
Coding change: c.1391G>A on transcript NM_000748.3 (MANE Select); coding-DNA position 1391, G replaced by A.
Protein change: p.Trp464Ter; replaces tryptophan 464 with a stop codon.
Molecular consequence: nonsense.
Genome position (GRCh38, 1-based): chr1:154,575,814, G>A. VCF-style: chr1-154575814-G-A. GRCh37 (hg19) VCF-style: chr1-154548290-G-A.
Other names: short protein forms W464*.
Identifiers: ClinVar variation 5016694 (VCV005016694.1).